The following is an entry in ClinVar:

ClinVar aggregate classification (germline): Uncertain significance. Review status: criteria provided, single submitter (1 of 4 stars). 2 submissions from 2 submitters: Uncertain significance (1). 1 of the submissions does not count toward it. Last evaluated 2022-10-27.

Conditions:
Hermansky-Pudlak syndrome 2 (HPS2). Also called: Platelet defects and oculocutaneous albinism. Identifiers: Orphanet 183678, Orphanet 79430, MedGen C1842362, MONDO:0011997, OMIM 608233.

Allele frequency attached by ClinVar (database versions not stated): gnomAD exomes 0.00001 and 0.00002; ExAC 0.00004; gnomAD 0.00004; TOPMed 0.00005.
gnomAD v4.1: 18 of 1,587,046 alleles (0.0011%); highest among the groups gnomAD compares: African/African-American, 0.011%; no homozygotes.

Submissions (2):

Labcorp Genetics (formerly Invitae), Labcorp
Classification: Uncertain significance. Last evaluated: 2022-10-27. Review status: criteria provided, single submitter. Criteria: Invitae Variant Classification Sherloc (09022015). Collection method: clinical testing. Allele origin: germline.
Comment: In summary, the available evidence is currently insufficient to determine the role of this variant in disease. Therefore, it has been classified as a Variant of Uncertain Significance. Algorithms developed to predict the effect of missense changes on protein structure and function are either unavailable or do not agree on the potential impact of this missense change (SIFT: "Deleterious"; PolyPhen-2: "Benign"; Align-GVGD: "Class C0"). ClinVar contains an entry for this variant (Variation ID: 1691241). This variant has not been reported in the literature in individuals affected with AP3D1-related conditions. The frequency data for this variant in the population databases is considered unreliable, as metrics indicate poor data quality at this position in the gnomAD database. This sequence change replaces proline, which is neutral and non-polar, with leucine, which is neutral and non-polar, at codon 979 of the AP3D1 protein (p.Pro979Leu).

ISTH-SSC Genomics in Thrombosis and Hemostasis, KU Leuven, Center for Molecular and Vascular Biology
Classification: Uncertain significance for Hermansky-Pudlak syndrome 2. Review status: no assertion criteria provided. Collection method: research. Allele origin: unknown. Affected: yes. Not counted in ClinVar's aggregate classification.
Comment: Submitted to GoldVariant by Dr Marie-Christine Morel-Kopp from Northern Blood Research Centre, Sydney, Australia

NM_001261826.3(AP3D1):c.2936C>T (p.Pro979Leu)

Gene: AP3D1 (adaptor related protein complex 3 subunit delta 1; minus strand). Cytogenetic location: 19p13.3.
Variant type: single nucleotide variant.
Coding change: c.2936C>T on transcript NM_001261826.3 (MANE Select); coding-DNA position 2936, C replaced by T.
Protein change: p.Pro979Leu; replaces proline 979 with leucine.
Molecular consequence: missense variant.
Genome position (GRCh38, 1-based): chr19:2,111,680, G>A on the plus strand (C>T on the coding strand, the complement: AP3D1 is on the minus strand). VCF-style: chr19-2111680-G-A. GRCh37 (hg19) VCF-style: chr19-2111679-G-A.
Other names: c.2900C>T, p.Pro967Leu (NM_001374799.1); c.2750C>T, p.Pro917Leu (NM_003938.8); short protein forms P917L, P967L, P979L.
Identifiers: ClinVar variation 1691241 (VCV001691241.4), dbSNP rs776432599, ClinGen allele CA9058675.